The following is an entry in ClinVar:

NM_201550.4(LRRC10):c.767C>T (p.Ala256Val)

Gene: LRRC10 (leucine rich repeat containing 10; minus strand). Cytogenetic location: 12q15.
Variant type: single nucleotide variant.
Coding change: c.767C>T on transcript NM_201550.4 (MANE Select); coding-DNA position 767, C replaced by T.
Protein change: p.Ala256Val; replaces alanine 256 with valine.
Molecular consequence: missense variant.
Genome position (GRCh38, 1-based): chr12:69,610,072, G>A on the plus strand (C>T on the coding strand, the complement: LRRC10 is on the minus strand). VCF-style: chr12-69610072-G-A. GRCh37 (hg19) VCF-style: chr12-70003852-G-A.
Other names: short protein forms A256V.
Identifiers: ClinVar variation 4790115 (VCV004790115.1).

ClinVar aggregate classification (germline): Uncertain significance (1 of 4 stars; one submission).

gnomAD v4.1: 10 of 1,614,094 alleles (0.00062%); highest among the groups gnomAD compares: African/African-American, 0.0027%; no homozygotes.

Submission:

Labcorp Genetics (formerly Invitae), Labcorp
Classification: Uncertain significance. Last evaluated: 2025-06-14. Review status: criteria provided, single submitter. Criteria: Invitae Variant Classification Sherloc (09022015). Collection method: clinical testing. Allele origin: germline.
Comment: This sequence change replaces alanine, which is neutral and non-polar, with valine, which is neutral and non-polar, at codon 256 of the LRRC10 protein (p.Ala256Val). This variant is present in population databases (rs376496424, gnomAD 0.008%). This variant has not been reported in the literature in individuals affected with LRRC10-related conditions. An algorithm developed to predict the effect of missense changes on protein structure and function (PolyPhen-2) suggests that this variant is likely to be disruptive. In summary, the available evidence is currently insufficient to determine the role of this variant in disease. Therefore, it has been classified as a Variant of Uncertain Significance.